The following is an entry in ClinVar:

ClinVar aggregate classification (germline): Uncertain significance (1 of 4 stars; one submission).

Conditions:
DICER1-related tumor predisposition. Also called: DICER1-related pleuropulmonary blastoma cancer predisposition syndrome; DICER1 syndrome. Identifiers: Orphanet 284343, MedGen C3839822, MONDO:0100216.

Submission:

Labcorp Genetics (formerly Invitae), Labcorp
Classification: Uncertain significance for DICER1-related tumor predisposition. Last evaluated: 2023-11-04. Review status: criteria provided, single submitter. Criteria: Invitae Variant Classification Sherloc (09022015). Collection method: clinical testing. Allele origin: germline.
Comment: This sequence change replaces arginine, which is basic and polar, with methionine, which is neutral and non-polar, at codon 758 of the DICER1 protein (p.Arg758Met). This variant is not present in population databases (gnomAD no frequency). This variant has not been reported in the literature in individuals affected with DICER1-related conditions. Advanced modeling of protein sequence and biophysical properties (such as structural, functional, and spatial information, amino acid conservation, physicochemical variation, residue mobility, and thermodynamic stability) performed at Invitae indicates that this missense variant is not expected to disrupt DICER1 protein function with a negative predictive value of 80%. In summary, the available evidence is currently insufficient to determine the role of this variant in disease. Therefore, it has been classified as a Variant of Uncertain Significance.

NM_177438.3(DICER1):c.2273G>T (p.Arg758Met)

Gene: DICER1 (dicer 1, ribonuclease III; minus strand). Cytogenetic location: 14q32.13.
Variant type: single nucleotide variant.
Coding change: c.2273G>T on transcript NM_177438.3 (MANE Select); coding-DNA position 2273, G replaced by T.
Protein change: p.Arg758Met; replaces arginine 758 with methionine.
Molecular consequence: missense variant. On other transcripts: non-coding transcript variant (6).
Genome position (GRCh38, 1-based): chr14:95,108,487, C>A on the plus strand (G>T on the coding strand, the complement: DICER1 is on the minus strand). VCF-style: chr14-95108487-C-A. GRCh37 (hg19) VCF-style: chr14-95574824-C-A.
Other names: c.2273G>T, p.Arg758Met (NM_001195573.1, NM_001271282.3, NM_001291628.2 and 13 more transcripts); c.1991G>T, p.Arg664Met (NM_001395686.1); c.1868G>T, p.Arg623Met (NM_001395687.1, NM_001395688.1, NM_001395689.1 and 2 more transcripts); c.1706G>T, p.Arg569Met (NM_001395691.1); c.590G>T, p.Arg197Met (NM_001395697.1); short protein forms R623M, R569M, R197M, R664M, R758M.
Identifiers: ClinVar variation 2693109 (VCV002693109.3), dbSNP rs2542857761, ClinGen allele CA390882405.